The following is an entry in ClinVar:

ClinVar aggregate classification (germline): Benign/Likely benign. Review status: criteria provided, single submitter (1 of 4 stars). 2 submissions from 1 submitter: Benign (1); Likely benign (1). Last evaluated 2018-01-12.

Conditions:
Autosomal dominant nonsyndromic hearing loss 36. Identifiers: Orphanet 90635, MedGen C1847626, MONDO:0011708, OMIM 606705.
Autosomal recessive nonsyndromic hearing loss 7. Also called: DEAFNESS, AUTOSOMAL RECESSIVE 11. Identifiers: Orphanet 90636, MedGen C1832978, MONDO:0010967, OMIM 600974.

Allele frequency attached by ClinVar (database versions not stated): 1000 Genomes Project 30x 0.02592; TOPMed 0.02801; gnomAD 0.02432 and 0.02586; 1000 Genomes Project 0.02476.

Submissions (2):

Illumina Laboratory Services, Illumina
Classification: Likely benign for Autosomal recessive nonsyndromic hearing loss 7. Last evaluated: 2018-01-12. Review status: criteria provided, single submitter. Criteria: ICSL Variant Classification Criteria 13 December 2019. Collection method: clinical testing. Allele origin: germline.
Comment: This variant was observed in the ICSL laboratory as part of a predisposition screen in an ostensibly healthy population. It had not been previously curated by ICSL or reported in the Human Gene Mutation Database (HGMD: prior to June 1st, 2018), and was therefore a candidate for classification through an automated scoring system. Utilizing variant allele frequency, disease prevalence and penetrance estimates, and inheritance mode, an automated score was calculated to assess if this variant is too frequent to cause the disease. Based on the score and internal cut-off values, a variant classified as likely benign is not then subjected to further curation. The score for this variant resulted in a classification of likely benign for this disease.

Illumina Laboratory Services, Illumina
Classification: Benign for Autosomal dominant nonsyndromic hearing loss 36. Last evaluated: 2018-01-12. Review status: criteria provided, single submitter. Criteria: ICSL Variant Classification Criteria 13 December 2019. Collection method: clinical testing. Allele origin: germline.
Comment: This variant was observed in the ICSL laboratory as part of a predisposition screen in an ostensibly healthy population. It had not been previously curated by ICSL or reported in the Human Gene Mutation Database (HGMD: prior to June 1st, 2018), and was therefore a candidate for classification through an automated scoring system. Utilizing variant allele frequency, disease prevalence and penetrance estimates, and inheritance mode, an automated score was calculated to assess if this variant is too frequent to cause the disease. Based on the score and internal cut-off values, a variant classified as benign is not then subjected to further curation. The score for this variant resulted in a classification of benign for this disease.

NM_138691.3(TMC1):c.-540C>T

Genes: TMC1 (transmembrane channel like 1; plus strand), LOC101927234 (uncharacterized LOC101927234; minus strand). Cytogenetic location: 9q21.13.
Variant type: single nucleotide variant.
Coding change: c.-540C>T on transcript NM_138691.3 (MANE Select); 540 bases upstream of the start codon, C replaced by T.
Molecular consequence: 5 prime UTR variant.
Genome position (GRCh38, 1-based): chr9:72,521,801, C>T. VCF-style: chr9-72521801-C-T. GRCh37 (hg19) VCF-style: chr9-75136717-C-T.
Identifiers: ClinVar variation 367244 (VCV000367244.5), dbSNP rs112220638, ClinGen allele CA10633923.
Genomic context (GRCh38, chr9:72,521,801, plus strand): 5'-ACAAAAAAAAAAAGAAAAAAGAAACACCAGTTTTCTGATTTCACCGAAGACCTACTGCCT[C>T]AGAAACTATGAGGGCAGAACCCAGCAATCTGTGCTTTCTTTCACAAGCCCTCCAGGAGTT-3'